The following is an entry in ClinVar:

ClinVar aggregate classification (germline): Uncertain significance (1 of 4 stars; one submission).

gnomAD v4.1: 2 of 1,609,164 alleles (0.00012%); highest among the groups gnomAD compares: South Asian, 0.0011%; no homozygotes.

Submission:

Labcorp Genetics (formerly Invitae), Labcorp
Classification: Uncertain significance. Last evaluated: 2025-05-26. Review status: criteria provided, single submitter. Criteria: Invitae Variant Classification Sherloc (09022015). Collection method: clinical testing. Allele origin: germline.
Comment: This sequence change replaces proline, which is neutral and non-polar, with serine, which is neutral and polar, at codon 533 of the FLVCR1 protein (p.Pro533Ser). This variant is not present in population databases (gnomAD no frequency). This variant has not been reported in the literature in individuals affected with FLVCR1-related conditions. An algorithm developed to predict the effect of missense changes on protein structure and function (PolyPhen-2) suggests that this variant is likely to be tolerated. In summary, the available evidence is currently insufficient to determine the role of this variant in disease. Therefore, it has been classified as a Variant of Uncertain Significance.

NM_014053.4(FLVCR1):c.1597C>T (p.Pro533Ser)

Gene: FLVCR1 (FLVCR choline and heme transporter 1; plus strand). Cytogenetic location: 1q32.3.
Variant type: single nucleotide variant.
Coding change: c.1597C>T on transcript NM_014053.4 (MANE Select); coding-DNA position 1597, C replaced by T.
Protein change: p.Pro533Ser; replaces proline 533 with serine.
Molecular consequence: missense variant.
Genome position (GRCh38, 1-based): chr1:212,895,219, C>T. VCF-style: chr1-212895219-C-T. GRCh37 (hg19) VCF-style: chr1-213068561-C-T.
Other names: short protein forms P533S.
Identifiers: ClinVar variation 4720288 (VCV004720288.1).